The following is an entry in ClinVar:

NM_005909.5(MAP1B):c.2163G>A (p.Val721=)

Gene: MAP1B (microtubule associated protein 1B; plus strand). Cytogenetic location: 5q13.2.
Variant type: single nucleotide variant.
Coding change: c.2163G>A on transcript NM_005909.5 (MANE Select); coding-DNA position 2163, G replaced by A.
Protein change: p.Val721=; no amino-acid change (valine 721 retained).
Molecular consequence: synonymous variant.
Genome position (GRCh38, 1-based): chr5:72,195,518, G>A. VCF-style: chr5-72195518-G-A. GRCh37 (hg19) VCF-style: chr5-71491345-G-A.
Other names: c.1785G>A, p.Val595= (NM_001324255.2).
Identifiers: ClinVar variation 4983019 (VCV004983019.1).

ClinVar aggregate classification (germline): Likely benign (1 of 4 stars; one submission).

Conditions:
MAP1B-related disorder. Also called: MAP1B-related condition.

Submission:

PreventionGenetics, part of Exact Sciences
Classification: Likely benign for MAP1B-related condition. Last evaluated: 2024-10-30. Review status: criteria provided, single submitter. Criteria: ACMG Guidelines, 2015. Collection method: clinical testing. Allele origin: germline.
Comment: This variant is classified as likely benign based on ACMG/AMP sequence variant interpretation guidelines (Richards et al. 2015 PMID: 25741868, with internal and published modifications).